The following is an entry in ClinVar:

NM_001329.4(CTBP2):c.58+11883G>A

Gene: CTBP2 (C-terminal binding protein 2; minus strand). Cytogenetic location: 10q26.13.
Variant type: single nucleotide variant.
Coding change: c.58+11883G>A on transcript NM_001329.4 (MANE Select); 11883 bases into the intron after coding-DNA position 58, G replaced by A.
Molecular consequence: intron variant. On other transcripts: missense variant (1).
Genome position (GRCh38, 1-based): chr10:125,027,114, C>T on the plus strand (G>A on the coding strand, the complement: CTBP2 is on the minus strand). VCF-style: chr10-125027114-C-T. GRCh37 (hg19) VCF-style: chr10-126715683-C-T.
Other names: c.646G>A, p.Glu216Lys (NM_022802.3); c.58+11883G>A (NM_001083914.3, NM_001290214.3, NM_001321012.2 and 3 more transcripts); short protein forms E216K.
Identifiers: ClinVar variation 3037242 (VCV003037242.2), dbSNP rs112433109, ClinGen allele CA5736468.
Genomic context (GRCh38, chr10:125,027,114, plus strand): 5'-GGTCCACAACCAGGCACGTCGGGGCCACCTGTCTGGCAGGGGCAGGGTCAATGGGTCTTT[C>T]GCTGATGTCGCTGAAGACCTGGCTGAGGGGGTAGGCAGGCACCTCCGCCCCATACCTGGT-3'

ClinVar aggregate classification (germline): Benign (0 of 4 stars; one submission).

Conditions:
CTBP2-related disorder. Also called: CTBP2-related condition.

Allele frequency attached by ClinVar (database versions not stated): ESP Exome Variant Server 0.00615; 1000 Genomes Project 30x 0.00687; 1000 Genomes Project 0.00759.
gnomAD v4.1: 1,665 of 1,605,976 alleles (0.1%); highest among the groups gnomAD compares: African/African-American, 1.9%; 21 homozygotes.

Submission:

PreventionGenetics, part of Exact Sciences
Classification: Benign for CTBP2-related condition. Last evaluated: 2019-02-21. Review status: no assertion criteria provided. Collection method: clinical testing. Allele origin: germline.
Comment: This variant is classified as benign based on ACMG/AMP sequence variant interpretation guidelines (Richards et al. 2015 PMID: 25741868, with internal and published modifications).